The following is an entry in ClinVar:

NM_000388.4(CASR):c.1572C>T (p.Asn524=)

Gene: CASR (calcium sensing receptor; plus strand). Cytogenetic location: 3q21.1.
Variant type: single nucleotide variant.
Coding change: c.1572C>T on transcript NM_000388.4 (MANE Select); coding-DNA position 1572, C replaced by T.
Protein change: p.Asn524=; no amino-acid change (asparagine 524 retained).
Molecular consequence: synonymous variant.
Genome position (GRCh38, 1-based): chr3:122,276,006, C>T. VCF-style: chr3-122276006-C-T. GRCh37 (hg19) VCF-style: chr3-121994853-C-T.
Other names: c.1572C>T, p.Asn524= (NM_001178065.2); c.1572C>T (NM_001178065.1).
Identifiers: ClinVar variation 1088146 (VCV001088146.13), dbSNP rs776534485, ClinGen allele CA82746020.

ClinVar aggregate classification (germline): Likely benign. Review status: criteria provided, multiple submitters, no conflicts (2 of 4 stars). 3 submissions from 3 submitters: Likely benign (2). 1 of the submissions does not count toward it. Last evaluated 2025-09-10.

Conditions:
Nephrolithiasis/nephrocalcinosis. Identifiers: MedGen CN580796.
CASR-related disorder. Also called: CASR-related condition.
Familial hypocalciuric hypercalcemia (FHH). Also called: Familial benign hypercalcemia. Identifiers: Orphanet 405, MedGen C1809471, MONDO:0018458.
Autosomal dominant hypocalcemia 1 (HYPOC1). Also called: HYPOCALCEMIA, FAMILIAL. Identifiers: MedGen C3715128, MONDO:0011013, OMIM 601198.

Allele frequency attached by ClinVar (database versions not stated): gnomAD exomes below 0.00001.
gnomAD v4.1: 6 of 1,613,728 alleles (0.00037%); highest among the groups gnomAD compares: South Asian, 0.0011%; no homozygotes.

Submissions (3):

Labcorp Genetics (formerly Invitae), Labcorp
Classification: Likely benign for Familial hypocalciuric hypercalcemia; Autosomal dominant hypocalcemia 1. Last evaluated: 2025-09-10. Review status: criteria provided, single submitter. Criteria: Invitae Variant Classification Sherloc (09022015). Collection method: clinical testing. Allele origin: germline.

Ambry Genetics
Classification: Likely benign for Nephrolithiasis/nephrocalcinosis. Last evaluated: 2020-01-22. Review status: criteria provided, single submitter. Criteria: Ambry Variant Classification Scheme 2023. Collection method: clinical testing. Allele origin: germline.

PreventionGenetics, part of Exact Sciences
Classification: Likely benign for CASR-related condition. Last evaluated: 2021-10-20. Review status: no assertion criteria provided. Collection method: clinical testing. Allele origin: germline. Not counted in ClinVar's aggregate classification.
Comment: This variant is classified as likely benign based on ACMG/AMP sequence variant interpretation guidelines (Richards et al. 2015 PMID: 25741868, with internal and published modifications).